The following is an entry in ClinVar:

ClinVar aggregate classification (germline): Uncertain significance (1 of 4 stars; one submission).

Conditions:
Hereditary cancer-predisposing syndrome. Also called: Neoplastic Syndromes, Hereditary; Tumor predisposition; Hereditary neoplastic syndrome; Hereditary Cancer Syndrome. Identifiers: Orphanet 140162, MedGen C0027672, MeSH D009386, MONDO:0015356.

Submission:

Ambry Genetics
Classification: Uncertain significance for Hereditary cancer-predisposing syndrome. Last evaluated: 2019-09-19. Review status: criteria provided, single submitter. Criteria: Ambry Variant Classification Scheme 2023. Collection method: clinical testing. Allele origin: germline.
Comment: The c.3551_3559delCCACAGATAinsTTTCTG variant, also known as p.A1184_I1187delinsVSV, located in coding exon 15 of the APC gene, results from an in-frame deletion of CCACAGATA and insertion of TTTCTG at nucleotide positions 3551 to 3559. This results in the deletion of 4 residues (ATDI) and insertion of 3 residues (VSV) at codon 1184 to 1187. This amino acid region is not well conserved in available vertebrate species. Since supporting evidence is limited at this time, the clinical significance of this alteration remains unclear.

NM_000038.6(APC):c.3551_3559delinsTTTCTG (p.Ala1184_Ile1187delinsValSerVal)

Gene: APC (APC regulator of Wnt signaling pathway; plus strand). Cytogenetic location: 5q22.2.
Variant type: Indel.
Coding change: c.3551_3559delinsTTTCTG on transcript NM_000038.6 (MANE Select); coding-DNA positions 3551 to 3559, CCACAGATA replaced by TTTCTG.
Protein change: p.Ala1184_Ile1187delinsValSerVal.
Molecular consequence: inframe indel.
Genome position (GRCh38, 1-based): chr5:112,839,145-112,839,153, CCACAGATA replaced by TTTCTG. VCF-style: chr5-112839145-CCACAGATA-TTTCTG. GRCh37 (hg19) VCF-style: chr5-112174842-CCACAGATA-TTTCTG.
Other names: c.3551_3559delinsTTTCTG, p.Ala1184_Ile1187delinsValSerVal (NM_001127510.3, NM_001354895.2); c.3497_3505delinsTTTCTG, p.Ala1166_Ile1169delinsValSerVal (NM_001127511.3); c.3605_3613delinsTTTCTG, p.Ala1202_Ile1205delinsValSerVal (NM_001354896.2); c.3581_3589delinsTTTCTG, p.Ala1194_Ile1197delinsValSerVal (NM_001354897.2); c.3476_3484delinsTTTCTG, p.Ala1159_Ile1162delinsValSerVal (NM_001354898.2); c.3467_3475delinsTTTCTG, p.Ala1156_Ile1159delinsValSerVal (NM_001354899.2); c.3428_3436delinsTTTCTG, p.Ala1143_Ile1146delinsValSerVal (NM_001354900.2); c.3374_3382delinsTTTCTG, p.Ala1125_Ile1128delinsValSerVal (NM_001354901.2); and 5 more.
Identifiers: ClinVar variation 823916 (VCV000823916.4), dbSNP rs1580636901, ClinGen allele CA915943481.